The following is an entry in ClinVar:

NM_005670.4(EPM2A):c.102G>C (p.Pro34=)

Genes: EPM2A (EPM2A glucan phosphatase, laforin; minus strand), EPM2A-DT (EPM2A divergent transcript; plus strand), LOC129997381 (ATAC-STARR-seq lymphoblastoid silent region 17642; plus strand). Cytogenetic location: 6q24.3.
Variant type: single nucleotide variant.
Coding change: c.102G>C on transcript NM_005670.4 (MANE Select); coding-DNA position 102, G replaced by C.
Protein change: p.Pro34=; no amino-acid change (proline 34 retained).
Molecular consequence: synonymous variant. On other transcripts: 5 prime UTR variant (3), intron variant (1).
Genome position (GRCh38, 1-based): chr6:145,735,397, C>G on the plus strand (G>C on the coding strand, the complement: EPM2A is on the minus strand). VCF-style: chr6-145735397-C-G. GRCh37 (hg19) VCF-style: chr6-146056533-C-G.
Other names: c.102G>C, p.Pro34= (NM_001018041.2, NM_001360057.2, NM_001368130.1); c.-568G>C (NM_001360071.2); c.-522G>C (NM_001368129.2); c.-266G>C (NM_001368131.1); c.-114+511G>C (NM_001360064.2).
Identifiers: ClinVar variation 511540 (VCV000511540.5), dbSNP rs1014133463, ClinGen allele CA452726486.
Genomic context (GRCh38, chr6:145,735,397, plus strand): 5'-CAGGGCCAGGGCCCCGTCGCCCGCCGCGGTGCCGGCCGGCCTCAGGCGGACGGCACCGCG[C>G]GGCTCCCAACGCCCCAGCTCGGGCCGCGACCCCACCACCAGCAGCTCCGGCCGGGCGCCG-3'
Protein context (NP_005661.1, residues 24-44): GSRPELGRWE[Pro34=]RGAVRLRPAG

ClinVar aggregate classification (germline): Likely benign. Review status: criteria provided, multiple submitters, no conflicts (2 of 4 stars). 3 submissions from 3 submitters: Likely benign (3). Last evaluated 2025-01-06.

Conditions:
Progressive myoclonic epilepsy. Also called: Myoclonic Epilepsies, Progressive; Progressive myoclonus epilepsy; Familial progressive myoclonic epilepsy; Myoclonus epilepsy. Identifiers: Orphanet 308, Orphanet 98261, MedGen C0751778, MONDO:0020074.

Allele frequency attached by ClinVar (database versions not stated): TOPMed 0.00004; gnomAD 0.00011.
gnomAD v4.1: 22 of 1,235,058 alleles (0.0018%); highest among the groups gnomAD compares: Non-Finnish European, 0.002%; no homozygotes.

Submissions (3):

Labcorp Genetics (formerly Invitae), Labcorp
Classification: Likely benign for Progressive myoclonic epilepsy. Last evaluated: 2025-01-06. Review status: criteria provided, single submitter. Criteria: Invitae Variant Classification Sherloc (09022015). Collection method: clinical testing. Allele origin: germline.

Blueprint Genetics
Classification: Likely benign. Last evaluated: 2024-06-27. Review status: criteria provided, single submitter. Criteria: ACMG Guidelines, 2015. Collection method: clinical testing. Allele origin: germline.

GeneDx
Classification: Likely benign. Last evaluated: 2017-08-18. Review status: criteria provided, single submitter. Criteria: GeneDx Variant Classification (06012015). Collection method: clinical testing. Allele origin: germline. Affected: yes.
Comment: This variant is considered likely benign or benign based on one or more of the following criteria: it is a conservative change, it occurs at a poorly conserved position in the protein, it is predicted to be benign by multiple in silico algorithms, and/or has population frequency not consistent with disease.